The following is an entry in ClinVar:

ClinVar aggregate classification (germline): Uncertain significance. Review status: criteria provided, multiple submitters, no conflicts (2 of 4 stars). 3 submissions from 3 submitters: Uncertain significance (3). Last evaluated 2025-09-25.

Conditions:
Cone-rod dystrophy 6 (CORD6). Also called: Cone dystrophy progressive; RETINAL CONE DYSTROPHY 2. Identifiers: Orphanet 1872, MedGen C1866293, MONDO:0011143, OMIM 601777.
Leber congenital amaurosis 1 (LCA1). Also called: AMAUROSIS CONGENITA OF LEBER I; Congenital absence of the rods and cones; Leber's congenital tapetoretinal degeneration; Leber's congenital tapetoretinal dysplasia; RETINAL BLINDNESS, CONGENITAL. Identifiers: Orphanet 65, MedGen C2931258, MONDO:0008764, OMIM 204000.
Inborn genetic diseases. Identifiers: MedGen C0950123, MeSH D030342.

Allele frequency attached by ClinVar (database versions not stated): gnomAD exomes below 0.00001.
gnomAD v4.1: 7 of 1,614,140 alleles (0.00043%); highest among the groups gnomAD compares: Non-Finnish European, 0.00059%; no homozygotes.

Submissions (3):

Ambry Genetics
Classification: Uncertain significance for Inborn genetic diseases. Last evaluated: 2025-09-25. Review status: criteria provided, single submitter. Criteria: Ambry Variant Classification Scheme 2023. Collection method: clinical testing. Allele origin: germline.
Comment: The c.2431G>A (p.G811S) alteration is located in exon 13 (coding exon 12) of the GUCY2D gene. This alteration results from a G to A substitution at nucleotide position 2431, causing the glycine (G) at amino acid position 811 to be replaced by a serine (S). Based on data from gnomAD, the A allele has an overall frequency of <0.001% (1/251400) total alleles studied. The highest observed frequency was 0.001% (1/113692) of European (non-Finnish) alleles. Based on insufficient or conflicting evidence, the clinical significance of this alteration remains unclear.

Blueprint Genetics
Classification: Uncertain significance. Last evaluated: 2022-11-18. Review status: criteria provided, single submitter. Criteria: ACMG Guidelines, 2015. Collection method: clinical testing. Allele origin: germline.

Labcorp Genetics (formerly Invitae), Labcorp
Classification: Uncertain significance for Leber congenital amaurosis 1; Cone-rod dystrophy 6. Last evaluated: 2022-09-24. Review status: criteria provided, single submitter. Criteria: Invitae Variant Classification Sherloc (09022015). Collection method: clinical testing. Allele origin: germline.
Comment: This sequence change replaces glycine, which is neutral and non-polar, with serine, which is neutral and polar, at codon 811 of the GUCY2D protein (p.Gly811Ser). This variant is present in population databases (no rsID available, gnomAD 0.0009%). This variant has not been reported in the literature in individuals affected with GUCY2D-related conditions. ClinVar contains an entry for this variant (Variation ID: 659201). Advanced modeling of protein sequence and biophysical properties (such as structural, functional, and spatial information, amino acid conservation, physicochemical variation, residue mobility, and thermodynamic stability) performed at Invitae indicates that this missense variant is not expected to disrupt GUCY2D protein function. In summary, the available evidence is currently insufficient to determine the role of this variant in disease. Therefore, it has been classified as a Variant of Uncertain Significance.

NM_000180.4(GUCY2D):c.2431G>A (p.Gly811Ser)

Gene: GUCY2D (guanylate cyclase 2D, retinal; plus strand). Cytogenetic location: 17p13.1.
Variant type: single nucleotide variant.
Coding change: c.2431G>A on transcript NM_000180.4 (MANE Select); coding-DNA position 2431, G replaced by A.
Protein change: p.Gly811Ser; replaces glycine 811 with serine.
Molecular consequence: missense variant.
Genome position (GRCh38, 1-based): chr17:8,014,619, G>A. VCF-style: chr17-8014619-G-A. GRCh37 (hg19) VCF-style: chr17-7917937-G-A.
Other names: short protein forms G811S.
Identifiers: ClinVar variation 659201 (VCV000659201.8), dbSNP rs1196292120, ClinGen allele CA397953427.
Genomic context (GRCh38, chr17:8,014,619, plus strand): 5'-CCCAGGTCTTCAGCAGCTTTACCAGCTTCCTTCTACTGCTAGTTCAAGAACATCAACAAG[G>A]GCCGGAAGACGAACATCATTGACTCGATGCTTCGGATGCTGGAGCAGTACTCTAGTAACC-3'
Protein context (NP_000171.1, residues 801-821): TFDLFKNINK[Gly811Ser]RKTNIIDSML